The following is an entry in ClinVar:

ClinVar aggregate classification (germline): Uncertain significance (1 of 4 stars; one submission).

Conditions:
Hereditary breast ovarian cancer syndrome. Also called: Hereditary breast and ovarian cancer; Hereditary breast and ovarian cancer syndrome; Breast and ovarian cancer; BRCA1- and BRCA2-Associated Hereditary Breast and Ovarian Cancer; Hereditary breast and ovarian cancer syndrome (HBOC); Hereditary breast and/or ovarian cancer syndrome. Identifiers: Orphanet 145, MedGen C0677776, MeSH D061325, MONDO:0003582. Disease mechanism: loss of function.

Submission:

Labcorp Genetics (formerly Invitae), Labcorp
Classification: Uncertain significance for Hereditary breast ovarian cancer syndrome. Last evaluated: 2022-11-10. Review status: criteria provided, single submitter. Criteria: Invitae Variant Classification Sherloc (09022015). Collection method: clinical testing. Allele origin: germline.
Comment: In summary, the available evidence is currently insufficient to determine the role of this variant in disease. Therefore, it has been classified as a Variant of Uncertain Significance. Advanced modeling of protein sequence and biophysical properties (such as structural, functional, and spatial information, amino acid conservation, physicochemical variation, residue mobility, and thermodynamic stability) performed at Invitae indicates that this missense variant is not expected to disrupt BRCA2 protein function. This variant has not been reported in the literature in individuals affected with BRCA2-related conditions. This variant is not present in population databases (gnomAD no frequency). This sequence change replaces leucine, which is neutral and non-polar, with phenylalanine, which is neutral and non-polar, at codon 914 of the BRCA2 protein (p.Leu914Phe).

NM_000059.4(BRCA2):c.2742G>T (p.Leu914Phe)

Gene: BRCA2 (BRCA2 DNA repair associated; plus strand). Cytogenetic location: 13q13.1.
Variant type: single nucleotide variant.
Coding change: c.2742G>T on transcript NM_000059.4 (MANE Select); coding-DNA position 2742, G replaced by T.
Protein change: p.Leu914Phe; replaces leucine 914 with phenylalanine.
Molecular consequence: missense variant. On other transcripts: non-coding transcript variant (1), intron variant (2).
Genome position (GRCh38, 1-based): chr13:32,337,097, G>T. VCF-style: chr13-32337097-G-T. GRCh37 (hg19) VCF-style: chr13-32911234-G-T.
Other names: c.2742G>T, p.Leu914Phe (NM_001406719.1, NM_001406720.1); c.1909+3710G>T (NM_001406721.1); c.424+6067G>T (NM_001406722.1); short protein forms L914F.
Identifiers: ClinVar variation 2813392 (VCV002813392.3), dbSNP rs759767392, ClinGen allele CA387773623.